The following is an entry in ClinVar:

ClinVar aggregate classification (germline): Benign/Likely benign. Review status: criteria provided, multiple submitters, no conflicts (2 of 4 stars). 2 submissions from 2 submitters: Benign (1); Likely benign (1). Last evaluated 2025-01-28.

Conditions:
Lynch syndrome 4 (LYNCH4). Also called: Colorectal cancer, hereditary nonpolyposis, type 4; Hereditary non-polyposis colorectal cancer, type 4. Identifiers: Orphanet 144, MedGen C1838333, MONDO:0013699, OMIM 614337. Disease mechanism: loss of function.

Submissions (2):

Myriad Genetics, Inc.
Classification: Benign for Lynch syndrome 4. Last evaluated: 2025-01-28. Review status: criteria provided, single submitter. Criteria: Myriad Autosomal Dominant, Autosomal Recessive and X-Linked Classification Criteria (2023). Collection method: clinical testing. Allele origin: unknown.
Comment: This variant is considered benign. This variant is a silent/synonymous amino acid change and it is not expected to impact splicing.

Women's Health and Genetics/Laboratory Corporation of America, LabCorp
Classification: Likely benign. Last evaluated: 2019-08-29. Review status: criteria provided, single submitter. Criteria: LabCorp Variant Classification Summary - May 2015. Collection method: clinical testing. Allele origin: germline.

NM_000535.7(PMS2):c.855A>G (p.Thr285=)

Gene: PMS2 (PMS1 homolog 2, mismatch repair system component; minus strand). Cytogenetic location: 7p22.1.
Variant type: single nucleotide variant.
Coding change: c.855A>G on transcript NM_000535.7 (MANE Select); coding-DNA position 855, A replaced by G.
Protein change: p.Thr285=; no amino-acid change (threonine 285 retained).
Molecular consequence: synonymous variant. On other transcripts: 5 prime UTR variant (2), non-coding transcript variant (1).
Genome position (GRCh38, 1-based): chr7:5,995,582, T>C on the plus strand (A>G on the coding strand, the complement: PMS2 is on the minus strand). VCF-style: chr7-5995582-T-C. GRCh37 (hg19) VCF-style: chr7-6035213-T-C.
Other names: c.450A>G, p.Thr150= (NM_001322003.2, NM_001322004.2, NM_001322005.2 and 2 more transcripts); c.855A>G, p.Thr285= (NM_001322006.2, NM_001322014.2); c.537A>G, p.Thr179= (NM_001322007.2, NM_001322008.2); c.-79A>G (NM_001322011.2, NM_001322012.2); c.282A>G, p.Thr94= (NM_001322013.2); c.546A>G, p.Thr182= (NM_001322015.2).
Identifiers: ClinVar variation 496043 (VCV000496043.3), dbSNP rs1554300771, ClinGen allele CA453645820.